The following is an entry in ClinVar:

NM_017934.7(PHIP):c.3142delinsATA (p.Val1048fs)

Genes: IRAK1BP1 (interleukin 1 receptor associated kinase 1 binding protein 1; plus strand), PHIP (PHIP subunit of CUL4-Ring ligase complex; minus strand). Cytogenetic location: 6q14.1.
Variant type: Indel.
Coding change: c.3142delinsATA on transcript NM_017934.7 (MANE Select); coding-DNA position 3142, G replaced by ATA.
Protein change: p.Val1048fs; shifts the reading frame from valine 1048.
Molecular consequence: frameshift variant.
Genome position (GRCh38, 1-based): chr6:78,969,898, C replaced by TAT on the plus strand (G replaced by ATA on the coding strand, the reverse complement: PHIP is on the minus strand). VCF-style: chr6-78969898-C-TAT. GRCh37 (hg19) VCF-style: chr6-79679615-C-TAT.
Other names: short protein forms V1048fs.
Identifiers: ClinVar variation 965020 (VCV000965020.6), dbSNP rs1767411335, ClinGen allele CA1139659698.
Genomic context (GRCh38, chr6:78,969,898, plus strand): 5'-TATTCCATCGCCTGTATTTTGCATCATCAAATTGTTGTCTCAAGACTAGGAAATCTATAA[C>TAT]GTCAGGCATATCATGGTATCTAATTACAAACAGAAACAAATTGATTAGGTCACATACCTA-3'

ClinVar aggregate classification (germline): Pathogenic (1 of 4 stars; one submission).

Submission:

Labcorp Genetics (formerly Invitae), Labcorp
Classification: Pathogenic. Last evaluated: 2019-04-26. Review status: criteria provided, single submitter. Criteria: Invitae Variant Classification Sherloc (09022015). Collection method: clinical testing. Allele origin: germline.
Comment: This sequence change creates a premature translational stop signal (p.Val1048Ilefs*3) in the PHIP gene. It is expected to result in an absent or disrupted protein product. This variant is not present in population databases (ExAC no frequency). This variant has not been reported in the literature in individuals with PHIP-related conditions. Loss-of-function variants in PHIP are known to be pathogenic (PMID: 27900362). For these reasons, this variant has been classified as Pathogenic.

Literature cited by the submitters: PubMed 27900362.